The following continues an entry in ClinVar:

NM_020975.6(RET):c.1946C>T (p.Ser649Leu)

Gene: RET. ClinVar aggregate classification (germline): Conflicting classifications of pathogenicity. Uncertain significance (5); Benign (3); Likely benign (15).

Submissions 16 to 27 of 27:

Illumina Laboratory Services, Illumina
Classification: Uncertain significance for Pheochromocytoma. Last evaluated: 2018-05-15. Review status: criteria provided, single submitter. Criteria: ICSL Variant Classification Criteria 13 December 2019. Collection method: clinical testing. Allele origin: germline.
Comment: This variant was observed as part of a predisposition screen in an ostensibly healthy population. A literature search was performed for the gene, cDNA change, and amino acid change (where applicable). Publications were found based on this search. However, the evidence from the literature, in combination with allele frequency data from public databases where available, was not sufficient to rule this variant in or out of causing disease. Therefore, this variant is classified as a variant of unknown significance.

Illumina Laboratory Services, Illumina
Classification: Benign for Multiple endocrine neoplasia. Last evaluated: 2018-05-15. Review status: criteria provided, single submitter. Criteria: ICSL Variant Classification Criteria 13 December 2019. Collection method: clinical testing. Allele origin: germline.
Comment: This variant was observed as part of a predisposition screen in an ostensibly healthy population. A literature search was performed for the gene, cDNA change, and amino acid change (where applicable). Publications were found based on this search. The evidence from the literature, in combination with allele frequency data from public databases where available, was sufficient to rule this variant out of causing disease. Therefore, this variant is classified as benign.

Illumina Laboratory Services, Illumina
Classification: Likely benign for Renal hypodysplasia/aplasia 1. Last evaluated: 2018-05-15. Review status: criteria provided, single submitter. Criteria: ICSL Variant Classification Criteria 13 December 2019. Collection method: clinical testing. Allele origin: germline.
Comment: This variant was observed as part of a predisposition screen in an ostensibly healthy population. A literature search was performed for the gene, cDNA change, and amino acid change (where applicable). Publications were found based on this search. The evidence from the literature, in combination with allele frequency data from public databases where available, was sufficient to determine this variant is unlikely to cause disease. Therefore, this variant is classified as likely benign.

PreventionGenetics, part of Exact Sciences
Classification: Likely benign. Last evaluated: 2017-05-04. Review status: criteria provided, single submitter. Criteria: ACMG Guidelines, 2015. Collection method: clinical testing. Allele origin: germline.

Laboratory for Molecular Medicine, Mass General Brigham Personalized Medicine
Classification: Uncertain significance. Last evaluated: 2017-01-24. Review status: criteria provided, single submitter. Criteria: LMM Criteria. Collection method: clinical testing. Allele origin: germline.
Comment: Variant identified in a genome or exome case(s) and assessed due to predicted null impact of the variant or pathogenic assertions in the literature or databases. Disclaimer: This variant has not undergone full assessment. The following are preliminary notes: This variant has been classified as DM in HGMD related to elevated basal serum calcitonin. It has been reported in 12 papers, with 2 related to Hirschprung disease. The comments suggest that it is not pathogenic. This variant is present at 0.05% in ExAC. It is classified in ClinVar with 1 star as Likely benign/Benign by Invitae and Children's Mercy Hospital, and as VUS by Ambry and ARUP. Variant occurs at greater frequency in population than expected for disorder

Center for Pediatric Genomic Medicine, Children's Mercy Hospital and Clinics
Classification: Benign. Last evaluated: 2016-05-06. Review status: criteria provided, single submitter. Criteria: ACMG Guidelines, 2015. Collection method: clinical testing. Allele origin: germline.

Quest Diagnostics Nichols Institute San Juan Capistrano
Classification: Likely benign. Last evaluated: 2016-02-10. Review status: criteria provided, single submitter. Criteria: Quest Diagnostics criteria. Collection method: clinical testing. Allele origin: unknown.

GeneDx
Classification: Likely benign. Last evaluated: 2016-01-26. Review status: criteria provided, single submitter. Criteria: GeneDx Variant Classification (06012015). Collection method: clinical testing. Allele origin: germline. Affected: yes.
Comment: This variant is considered likely benign or benign based on one or more of the following criteria: it is a conservative change, it occurs at a poorly conserved position in the protein, it is predicted to be benign by multiple in silico algorithms, and/or has population frequency not consistent with disease.

Klinik und Poliklinik für Kinderchirurgie, Technische Universität Dresden, Universitätsklinikum Carl Gustav Carus
Classification: Uncertain significance for Appendicitis. Last evaluated: 2020-12-17. Review status: no assertion criteria provided. Collection method: research. Allele origin: unknown. Inheritance: Autosomal dominant inheritance. Affected: yes. Observed: 1 variant allele, 1 heterozygote. Not counted in ClinVar's aggregate classification.

Counsyl
Classification: Likely benign for Multiple endocrine neoplasia type 2A. Last evaluated: 2018-05-16. Review status: no assertion criteria provided. Collection method: clinical testing. Allele origin: unknown. Not counted in ClinVar's aggregate classification.

CSER _CC_NCGL, University of Washington
Classification: Likely benign for Elevated basal serum calcitonin. Last evaluated: 2014-06-01. Review status: no assertion criteria provided. Collection method: research. Allele origin: germline. Inheritance: Autosomal dominant inheritance. Study: ESP 6500 variant annotation. Not counted in ClinVar's aggregate classification.
Comment: Variants classified for the Actionable exomic incidental findings in 6503 participants: challenges of variant classification manuscript

ITMI
No classification provided. Condition: AllHighlyPenetrant. Last evaluated: 2013-09-19. Review status: no classification provided. Collection method: reference population. Allele origin: germline. Not counted in ClinVar's aggregate classification.
Comment: Please see associated publication for description of ethnicities

Literature cited by the submitters: PubMed 18322301 (cited by 6 submitters); PubMed 19906784 (cited by 6 submitters); PubMed 21551259 (cited by 5 submitters); PubMed 33777662 (cited by Mayo Clinic Laboratories, Mayo Clinic and Quest Diagnostics Nichols Institute San Juan Capistrano); PubMed 15320968 (cited by 4 submitters); PubMed 11230481 (cited by 4 submitters); PubMed 16849421 (cited by Women's Health and Genetics/Laboratory Corporation of America, LabCorp); PubMed 19775624 (cited by Women's Health and Genetics/Laboratory Corporation of America, LabCorp); PubMed 19269918 (cited by Women's Health and Genetics/Laboratory Corporation of America, LabCorp); PubMed 19522830 (cited by Women's Health and Genetics/Laboratory Corporation of America, LabCorp and Quest Diagnostics Nichols Institute San Juan Capistrano); PubMed 19399650 (cited by Women's Health and Genetics/Laboratory Corporation of America, LabCorp); PubMed 18936155 (cited by Women's Health and Genetics/Laboratory Corporation of America, LabCorp); PubMed 19826964 (cited by 5 submitters); PubMed 33167350 (cited by Women's Health and Genetics/Laboratory Corporation of America, LabCorp and Quest Diagnostics Nichols Institute San Juan Capistrano); PubMed 18058472 (cited by 3 submitters); PubMed 21479187 (cited by 4 submitters); PubMed 21986619 (cited by 4 submitters); PubMed 23067224 (cited by 3 submitters); PubMed 24728327 (cited by 5 submitters); PubMed 25637381 (cited by Ambry Genetics and Quest Diagnostics Nichols Institute San Juan Capistrano); PubMed 26332594 (cited by 3 submitters); PubMed 26489027 (cited by Ambry Genetics); PubMed 27379493 (cited by Ambry Genetics and Quest Diagnostics Nichols Institute San Juan Capistrano); PubMed 28946813 (cited by Ambry Genetics and Quest Diagnostics Nichols Institute San Juan Capistrano); PubMed 35264596 (cited by Quest Diagnostics Nichols Institute San Juan Capistrano); PubMed 22584709 (cited by Quest Diagnostics Nichols Institute San Juan Capistrano); PubMed 21552134 (cited by Quest Diagnostics Nichols Institute San Juan Capistrano); PubMed 25810047 (cited by Quest Diagnostics Nichols Institute San Juan Capistrano); PubMed 24699901 (cited by Quest Diagnostics Nichols Institute San Juan Capistrano); PubMed 25695224 (cited by Quest Diagnostics Nichols Institute San Juan Capistrano); PubMed 31159747 (cited by Quest Diagnostics Nichols Institute San Juan Capistrano).